The following is an entry in ClinVar:

NM_002456.6(MUC1):c.159+180G>C

Gene: MUC1 (mucin 1, cell surface associated; minus strand). Cytogenetic location: 1q22.
Variant type: single nucleotide variant.
Coding change: c.159+180G>C on transcript NM_002456.6; 180 bases into the intron after coding-DNA position 159, G replaced by C.
Molecular consequence: intron variant. On other transcripts: synonymous variant (3).
Genome position (GRCh38, 1-based): chr1:155,192,003, C>G on the plus strand (G>C on the coding strand, the complement: MUC1 is on the minus strand). VCF-style: chr1-155192003-C-G. GRCh37 (hg19) VCF-style: chr1-155161794-C-G.
Other names: c.339G>C, p.Pro113= (NM_001204285.2); c.366G>C, p.Pro122= (NM_001204286.1, NM_001371720.2); c.186+180G>C (NM_001204291.1, NM_001204292.1, NM_001204295.1 and 7 more transcripts); c.123+180G>C (NM_001204290.2); c.159+180G>C (NM_001204294.2, NM_001044393.3, NM_001044390.3 and 3 more transcripts).
Identifiers: ClinVar variation 3341647 (VCV003341647.16).

ClinVar aggregate classification (germline): Likely benign (1 of 4 stars; one submission).

Submission:

CeGaT Center for Human Genetics Tuebingen
Classification: Likely benign. Last evaluated: 2025-12-01. Review status: criteria provided, single submitter. Criteria: CeGaT Center For Human Genetics Tuebingen Variant Classification Criteria Version 2. Collection method: clinical testing. Allele origin: germline. Affected: yes. Observed: 2 variant alleles.
Comment: MUC1: BP4, BP7